The following is an entry in ClinVar:

ClinVar aggregate classification (germline): Likely benign (1 of 4 stars; one submission).

Allele frequency attached by ClinVar (database versions not stated): gnomAD 0.00002; TOPMed 0.00002; ExAC 0.00004; gnomAD exomes 0.00004.
gnomAD v4.1: 56 of 1,584,534 alleles (0.0035%); highest among the groups gnomAD compares: Middle Eastern, 0.15%; no homozygotes.

Submission:

CeGaT Center for Human Genetics Tuebingen
Classification: Likely benign. Last evaluated: 2022-09-01. Review status: criteria provided, single submitter. Criteria: CeGaT Center For Human Genetics Tuebingen Variant Classification Criteria Version 2. Collection method: clinical testing. Allele origin: germline. Affected: yes. Observed: 1 variant allele.
Comment: ADAM18: BP4, BP7

NM_014237.3(ADAM18):c.552A>G (p.Gln184=)

Gene: ADAM18 (ADAM metallopeptidase domain 18; plus strand). Cytogenetic location: 8p11.22.
Variant type: single nucleotide variant.
Coding change: c.552A>G on transcript NM_014237.3 (MANE Select); coding-DNA position 552, A replaced by G.
Protein change: p.Gln184=; no amino-acid change (glutamine 184 retained).
Molecular consequence: synonymous variant. On other transcripts: non-coding transcript variant (1).
Genome position (GRCh38, 1-based): chr8:39,629,403, A>G. VCF-style: chr8-39629403-A-G. GRCh37 (hg19) VCF-style: chr8-39486922-A-G.
Other names: c.552A>G, p.Gln184= (NM_001320313.2).
Identifiers: ClinVar variation 2658566 (VCV002658566.24), dbSNP rs766654756, ClinGen allele CA4723122.
Genomic context (GRCh38, chr8:39,629,403, plus strand): 5'-TTTTATAAATCCCGTTGTTGTTGTTTTCCAGATAAAAAATCTTTCAAAACTATTACCCCA[A>G]TATCTGGAAATATACATTATAGTGGAAAAAGCTTTGGTAAGTATGCTTTCAAGAGGTCTT-3'
Protein context (NP_055052.1, residues 174-194): QIKNLSKLLP[Gln184=]YLEIYIIVEK